The following is an entry in ClinVar:

GRCh37/hg19 1q31.1-32.1(chr1:189633885-199854163)x1

Genes: ASPM (assembly factor for spindle microtubules; minus strand), ATP6V1G3 (ATPase H+ transporting V1 subunit G3; minus strand), B3GALT2 (beta-1,3-galactosyltransferase 2; minus strand), BRINP3 (BMP/retinoic acid inducible neural specific 3; minus strand), C1orf53 (chromosome 1 open reading frame 53; plus strand) and 25 more. Cytogenetic location: 1q31.1-32.1.
Variant type: copy number loss.
Change: copy number 1 (one copy instead of two) of chr1:189,633,885-199,854,163 (10.22 Mb, GRCh37 coordinates, 1-based), cytogenetic band 1q31.1-32.1.
Identifiers: ClinVar variation 1807694 (VCV001807694.1).

ClinVar aggregate classification (germline): Likely pathogenic (1 of 4 stars; one submission).

Submission:

Quest Diagnostics Nichols Institute San Juan Capistrano
Classification: Likely pathogenic. Last evaluated: 2021-06-09. Review status: criteria provided, single submitter. Criteria: ACMG/ClinGen CNV Guidelines, 2019. Collection method: clinical testing. Allele origin: unknown.
Comment: The copy number loss of 1q31.1q32.1 involves multiple protein-coding genes, including KCNT2 (OMIM 610044) and CDC73 (OMIM 607393). A similar 9.5 Mb deletion at this region, arising de novo, was reported in an individual with intellectual disability, obesity, and dysmorphic features (Hyder et al., Clin Dysmorphol. 2019 Jul;28(3):131-136. PMID: 31045593). Milani et al. also reported a larger de novo deletion of 1q31.1q32.1 in an individual with developmental delay, hyperactivity and behavioral disorder, and dysmorphic features including laterally sparse eyebrows, downslanting palpebral fissures, broad nasal root, long philtrum, thin upper lip and thick lower lip (Milani D, et al. Cytogenet Genome Res. 2012;136(3):167-70. PMID: 22398643). Furthermore, heterozygous pathogenic loss-of-function variants of CDC73 have been associated with autosomal dominant hyperparathyroidism-jaw tumor syndrome (aka parathyroid adenoma with cystic changes; OMIM 145001) and familial primary hyperparathyroidism (OMIM 145000). This large deletion also includes a few genes associated with autosomal dominant OMIM phenotypes: KCNT2 (OMIM 610044), CFH (OMIM 134370), CFHR3 (OMIM 605336), CFHR1 (OMIM 134371), CFHR5 (OMIM 608593), and CRB1 (OMIM 604210). There are no full copy number losses of this region in the general populations of the Database of Genomic Variants. Thus, based on literature review and gene content, this copy number loss is interpreted as likely pathogenic.